The following is an entry in ClinVar:

ClinVar aggregate classification (germline): Uncertain significance (1 of 4 stars; one submission).

Conditions:
Fibrous dysplasia of jaw (CRBM). Also called: Cherubism. Identifiers: Orphanet 184, MedGen C0008029, MONDO:0007315, OMIM 118400.

Allele frequency attached by ClinVar (database versions not stated): gnomAD exomes below 0.00001; gnomAD 0.00003; TOPMed 0.00003.
gnomAD v4.1: 7 of 1,583,116 alleles (0.00044%); highest among the groups gnomAD compares: Admixed American, 0.011%; no homozygotes.

Submission:

Labcorp Genetics (formerly Invitae), Labcorp
Classification: Uncertain significance for Fibrous dysplasia of jaw. Last evaluated: 2023-12-11. Review status: criteria provided, single submitter. Criteria: Invitae Variant Classification Sherloc (09022015). Collection method: clinical testing. Allele origin: germline.
Comment: This sequence change replaces aspartic acid, which is acidic and polar, with glutamic acid, which is acidic and polar, at codon 137 of the SH3BP2 protein (p.Asp137Glu). The frequency data for this variant in the population databases is considered unreliable, as metrics indicate poor data quality at this position in the gnomAD database. This variant has not been reported in the literature in individuals affected with SH3BP2-related conditions. Advanced modeling of protein sequence and biophysical properties (such as structural, functional, and spatial information, amino acid conservation, physicochemical variation, residue mobility, and thermodynamic stability) performed at Invitae indicates that this missense variant is not expected to disrupt SH3BP2 protein function with a negative predictive value of 80%. In summary, the available evidence is currently insufficient to determine the role of this variant in disease. Therefore, it has been classified as a Variant of Uncertain Significance.

NM_001122681.2(SH3BP2):c.411C>G (p.Asp137Glu)

Gene: SH3BP2 (SH3 domain binding protein 2; plus strand). Cytogenetic location: 4p16.3.
Variant type: single nucleotide variant.
Coding change: c.411C>G on transcript NM_001122681.2 (MANE Select); coding-DNA position 411, C replaced by G.
Protein change: p.Asp137Glu; replaces aspartic acid 137 with glutamic acid.
Molecular consequence: missense variant.
Genome position (GRCh38, 1-based): chr4:2,825,179, C>G. VCF-style: chr4-2825179-C-G. GRCh37 (hg19) VCF-style: chr4-2826906-C-G.
Other names: c.495C>G, p.Asp165Glu (NM_001145855.2); c.582C>G, p.Asp194Glu (NM_001145856.2); c.411C>G, p.Asp137Glu (NM_003023.4); short protein forms D165E, D137E, D194E.
Identifiers: ClinVar variation 2844615 (VCV002844615.3), dbSNP rs1220532993, ClinGen allele CA356054055.